The following is an entry in ClinVar:

NM_006904.7(PRKDC):c.3214G>A (p.Ala1072Thr)

Gene: PRKDC (protein kinase, DNA-activated, catalytic subunit; minus strand). Cytogenetic location: 8q11.21.
Variant type: single nucleotide variant.
Coding change: c.3214G>A on transcript NM_006904.7 (MANE Select); coding-DNA position 3214, G replaced by A.
Protein change: p.Ala1072Thr; replaces alanine 1072 with threonine.
Molecular consequence: missense variant.
Genome position (GRCh38, 1-based): chr8:47,902,624, C>T on the plus strand (G>A on the coding strand, the complement: PRKDC is on the minus strand). VCF-style: chr8-47902624-C-T. GRCh37 (hg19) VCF-style: chr8-48815184-C-T.
Other names: c.3214G>A, p.Ala1072Thr (NM_001081640.2); short protein forms A1072T.
Identifiers: ClinVar variation 1728974 (VCV001728974.2), dbSNP rs1204487667, ClinGen allele CA371156632.

ClinVar aggregate classification (germline): Uncertain significance (1 of 4 stars; one submission).

Allele frequency attached by ClinVar (database versions not stated): TOPMed 0.00001.
gnomAD v4.1: 1 of 1,611,592 alleles (0.000062%); no homozygotes.

Submission:

Ambry Genetics
Classification: Uncertain significance. Last evaluated: 2022-07-17. Review status: criteria provided, single submitter. Criteria: Ambry Variant Classification Scheme 2023. Collection method: clinical testing. Allele origin: germline.
Comment: The p.A1072T variant (also known as c.3214G>A), located in coding exon 27 of the PRKDC gene, results from a G to A substitution at nucleotide position 3214. The alanine at codon 1072 is replaced by threonine, an amino acid with similar properties. This amino acid position is conserved. In addition, this alteration is predicted to be tolerated by in silico analysis. Since supporting evidence is limited at this time, the clinical significance of this alteration remains unclear.